The following is an entry in ClinVar:

ClinVar aggregate classification (germline): Uncertain significance (1 of 4 stars; one submission).

Conditions:
FN1-related disorder. Also called: FN1-related condition.

Submission:

PreventionGenetics, part of Exact Sciences
Classification: Uncertain significance for FN1-related condition. Last evaluated: 2023-06-01. Review status: criteria provided, single submitter. Criteria: ACMG Guidelines, 2015. Collection method: clinical testing. Allele origin: germline.
Comment: The FN1 c.4448_4449delinsGC variant is predicted to result in an in-frame deletion and insertion. To our knowledge, this variant has not been reported in the literature or in a large population database, indicating this variant is rare. At this time, the clinical significance of this variant is uncertain due to the absence of conclusive functional and genetic evidence.

NM_212482.4(FN1):c.4448_4449delinsGC (p.His1483Arg)

Gene: FN1 (fibronectin 1; minus strand). Cytogenetic location: 2q35.
Variant type: Indel.
Coding change: c.4448_4449delinsGC on transcript NM_212482.4 (MANE Select); coding-DNA positions 4448 to 4449, AT replaced by GC.
Protein change: p.His1483Arg; replaces histidine 1483 with arginine.
Molecular consequence: missense variant.
Genome position (GRCh38, 1-based): chr2:215,386,852-215,386,853, AT replaced by GC on the plus strand (AT replaced by GC on the coding strand, the reverse complement: FN1 is on the minus strand). VCF-style: chr2-215386852-AT-GC. GRCh37 (hg19) VCF-style: chr2-216251575-AT-GC.
Other names: c.4448_4449delinsGC, p.His1483Arg (NM_001306129.2, NM_001306130.2, NM_001365517.2 and 3 more transcripts); c.4175_4176delinsGC, p.His1392Arg (NM_001306131.2, NM_001306132.2, NM_001365518.2 and 7 more transcripts); short protein forms H1392R, H1483R.
Identifiers: ClinVar variation 2632241 (VCV002632241.1), dbSNP rs2469657404, ClinGen allele CA2695197107.
Genomic context (GRCh38, chr2:215,386,852, plus strand): 5'-GGAATTCCGAGAGTGGGGCACCCGATCTTCTCGAGGTCTCCCACTGAAGTGCTCGGGATG[AT>GC]GGCGGATCCTGTAGCCAGTGATGGTGGCTCGAGGAGCAATCCAGTGCACAGTAAAAGAGT-3'
Protein context (NP_997647.2, residues 1473-1493): RATITGYRIR[His1483Arg]HPEHFSGRPR